The following is an entry in ClinVar:

ClinVar aggregate classification (germline): Uncertain significance. Review status: criteria provided, multiple submitters, no conflicts (2 of 4 stars). 2 submissions from 2 submitters: Uncertain significance (2). Last evaluated 2025-08-04.

Allele frequency attached by ClinVar (database versions not stated): ExAC 0.00004; gnomAD exomes 0.00009; 1000 Genomes Project 30x 0.00031; gnomAD 0.00031; 1000 Genomes Project 0.00040.
gnomAD v4.1: 177 of 1,614,020 alleles (0.011%); highest among the groups gnomAD compares: Admixed American, 0.09%; no homozygotes.

Submissions (2):

Ambry Genetics
Classification: Uncertain significance. Last evaluated: 2025-08-04. Review status: criteria provided, single submitter. Criteria: Ambry Variant Classification Scheme 2023. Collection method: clinical testing. Allele origin: germline.

Labcorp Genetics (formerly Invitae), Labcorp
Classification: Uncertain significance. Last evaluated: 2022-10-02. Review status: criteria provided, single submitter. Criteria: Invitae Variant Classification Sherloc (09022015). Collection method: clinical testing. Allele origin: germline.
Comment: In summary, the available evidence is currently insufficient to determine the role of this variant in disease. Therefore, it has been classified as a Variant of Uncertain Significance. Algorithms developed to predict the effect of missense changes on protein structure and function (SIFT, PolyPhen-2, Align-GVGD) all suggest that this variant is likely to be tolerated. This variant has not been reported in the literature in individuals affected with UQCC3-related conditions. This variant is present in population databases (rs199794771, gnomAD 0.01%). This sequence change replaces arginine, which is basic and polar, with lysine, which is basic and polar, at codon 48 of the UQCC3 protein (p.Arg48Lys).

NM_001085372.3(UQCC3):c.143G>A (p.Arg48Lys)

Genes: LBHD1 (LBH domain containing 1; minus strand), UQCC3 (ubiquinol-cytochrome c reductase complex assembly factor 3; plus strand). Cytogenetic location: 11q12.3.
Variant type: single nucleotide variant.
Coding change: c.143G>A on transcript NM_001085372.3 (MANE Select); coding-DNA position 143, G replaced by A.
Protein change: p.Arg48Lys; replaces arginine 48 with lysine.
Molecular consequence: missense variant. On other transcripts: 5 prime UTR variant (12).
Genome position (GRCh38, 1-based): chr11:62,671,975, G>A. VCF-style: chr11-62671975-G-A. GRCh37 (hg19) VCF-style: chr11-62439447-G-A.
Other names: c.-422C>T (NM_001367940.2, NM_024099.5); c.-939C>T (NM_001367941.2); c.-228C>T (NM_001394596.1, NM_001394599.1, NM_001394601.1 and 1 more transcripts); c.-470C>T (NM_001394604.1, NM_001394607.1); c.-615C>T (NM_001394609.1); c.-546C>T (NM_001394611.1); c.-870C>T (NM_001394612.1); c.143G>A (NM_001085372.2); short protein forms R48K.
Identifiers: ClinVar variation 2082566 (VCV002082566.5), dbSNP rs199794771, ClinGen allele CA6052579.